The following is an entry in ClinVar:

ClinVar aggregate classification (germline): Likely pathogenic. Review status: criteria provided, single submitter (1 of 4 stars). 2 submissions from 2 submitters: Likely pathogenic (1). 1 of the submissions does not count toward it. Last evaluated 2024-07-19.

Conditions:
Fanconi anemia (FA). Also called: Fanconi's anemia. Identifiers: Orphanet 84, MedGen C0015625, MeSH D005199, MONDO:0019391.
Fanconi anemia complementation group C (FANCC). Also called: Fanconi anemia, group C; FANCONI PANCYTOPENIA, TYPE 3; FACC; FANCC-Related Fanconi Anemia. Identifiers: Orphanet 84, MedGen C3468041, MONDO:0009213, OMIM 227645.

Allele frequency attached by ClinVar (database versions not stated): gnomAD exomes below 0.00001.
gnomAD v4.1: 1 of 1,596,762 alleles (0.000063%); highest among the groups gnomAD compares: East Asian, 0.0022%; no homozygotes.

Submissions (2):

Labcorp Genetics (formerly Invitae), Labcorp
Classification: Likely pathogenic for Fanconi anemia. Last evaluated: 2024-07-19. Review status: criteria provided, single submitter. Criteria: Invitae Variant Classification Sherloc (09022015). Collection method: clinical testing. Allele origin: germline.
Comment: This sequence change affects a donor splice site in intron 7 of the FANCC gene. It is expected to disrupt RNA splicing. Variants that disrupt the donor or acceptor splice site typically lead to a loss of protein function (PMID: 16199547), and loss-of-function variants in FANCC are known to be pathogenic (PMID: 17924555). The frequency data for this variant in the population databases is considered unreliable, as metrics indicate poor data quality at this position in the gnomAD database. This variant has not been reported in the literature in individuals affected with FANCC-related conditions. ClinVar contains an entry for this variant (Variation ID: 371252). Algorithms developed to predict the effect of sequence changes on RNA splicing suggest that this variant may disrupt the consensus splice site. In summary, the currently available evidence indicates that the variant is pathogenic, but additional data are needed to prove that conclusively. Therefore, this variant has been classified as Likely Pathogenic.

Counsyl
Classification: Likely pathogenic for Fanconi anemia complementation group C. Last evaluated: 2016-08-05. Review status: no assertion criteria provided. Collection method: clinical testing. Allele origin: unknown. Not counted in ClinVar's aggregate classification.

Literature cited by the submitters: PubMed 16199547 (cited by Labcorp Genetics (formerly Invitae), Labcorp); PubMed 17924555 (cited by Labcorp Genetics (formerly Invitae), Labcorp).

NM_000136.3(FANCC):c.686+1G>T

Genes: AOPEP (aminopeptidase O (putative); plus strand), FANCC (FA complementation group C; minus strand). Cytogenetic location: 9q22.32.
Variant type: single nucleotide variant.
Coding change: c.686+1G>T on transcript NM_000136.3 (MANE Select); the canonical splice donor site of the intron after coding-DNA position 686, G replaced by T.
Molecular consequence: splice donor variant.
Genome position (GRCh38, 1-based): chr9:95,149,922, C>A on the plus strand (G>T on the coding strand, the complement: FANCC is on the minus strand). VCF-style: chr9-95149922-C-A. GRCh37 (hg19) VCF-style: chr9-97912204-C-A.
Other names: c.686+1G>T (NM_001243743.2, NM_001243744.2).
Identifiers: ClinVar variation 371252 (VCV000371252.8), dbSNP rs1057517125, ClinGen allele CA16041345.
Genomic context (GRCh38, chr9:95,149,922, plus strand): 5'-ACCACAGCCTTCTAAGAAAAGGAAAAACGACGCAGGATGACAGGAAACATTTGCCACTTA[C>A]AGCAAAATGGCCTCGTTTACAGCCTCAAAGAACTCTGGCTGGAGGATTTCCTGAGGTTCA-3'